The following is an entry in ClinVar:

NM_000186.4(CFH):c.3028G>A (p.Ala1010Thr)

Gene: CFH (complement factor H; plus strand). Cytogenetic location: 1q31.3.
Variant type: single nucleotide variant.
Coding change: c.3028G>A on transcript NM_000186.4 (MANE Select); coding-DNA position 3028, G replaced by A.
Protein change: p.Ala1010Thr; replaces alanine 1010 with threonine.
Molecular consequence: missense variant.
Genome position (GRCh38, 1-based): chr1:196,741,946, G>A. VCF-style: chr1-196741946-G-A. GRCh37 (hg19) VCF-style: chr1-196711076-G-A.
Other names: short protein forms A1010T.
Identifiers: ClinVar variation 451521 (VCV000451521.13), dbSNP rs11539862, ClinGen allele CA1305810.

ClinVar aggregate classification (germline): Uncertain significance. Review status: criteria provided, multiple submitters, no conflicts (2 of 4 stars). 12 submissions from 6 submitters: Uncertain significance (12). Last evaluated 2025-10-02.

Conditions:
Age related macular degeneration 4. Identifiers: MedGen C1853147, MONDO:0012540, OMIM 610698.
Atypical hemolytic-uremic syndrome. Identifiers: Orphanet 2134, MedGen C2931788, MONDO:0016244.
Factor H deficiency (CFHD). Also called: CFH DEFICIENCY; COMPLEMENT FACTOR H DEFICIENCY. Identifiers: Orphanet 200421, MedGen C0398777, MONDO:0012350, OMIM 609814.
Basal laminar drusen. Also called: DRUSEN OF BRUCH MEMBRANE; DRUSEN, CUTICULAR; DRUSEN, EARLY ADULT-ONSET, GROUPED. Identifiers: Orphanet 75376, MedGen C0730295, MONDO:0007472, OMIM 126700.
Hemolytic uremic syndrome, atypical, susceptibility to, 1. Also called: AHUS, SUSCEPTIBILITY TO, 1. Identifiers: Orphanet 2134, Orphanet 90038, MedGen C2749604, MONDO:0009335, OMIM 235400. Disease mechanism: Other.
CFH-Related Dense Deposit Disease / Membranoproliferative Glomerulonephritis Type II. Identifiers: MedGen CN071292.

Allele frequency attached by ClinVar (database versions not stated): ExAC 0.00001; gnomAD exomes 0.00002 and 0.00008; TOPMed 0.00002; gnomAD 0.00003 and 0.00004.
gnomAD v4.1: 114 of 1,614,044 alleles (0.0071%); highest among the groups gnomAD compares: Non-Finnish European, 0.0094%; no homozygotes.

Submissions (12):

Genomenon, Inc
Classification: Uncertain significance for Basal laminar drusen; Age related macular degeneration 4; Atypical hemolytic-uremic syndrome; Factor H deficiency. Last evaluated: 2025-10-02. Review status: criteria provided, single submitter. Criteria: Genomenon Sequence Variant Interpretation Standards - Updated. Collection method: curation. Allele origin: germline. Affected: no.
Comment: CFH p.Ala1010Thr (c.3028G>A) is a missense variant that changes the amino acid at residue 1010 from Alanine to Threonine. This variant has been reported in the published literature (PMID:25188723;30890598). It is absent or not present at a significant frequency in gnomAD. In silico models agree that this variant is not damaging. In conclusion, we classify CFH p.Ala1010Thr (c.3028G>A) as a variant of uncertain significance.

Labcorp Genetics (formerly Invitae), Labcorp
Classification: Uncertain significance. Last evaluated: 2025-10-01. Review status: criteria provided, single submitter. Criteria: Invitae Variant Classification Sherloc (09022015). Collection method: clinical testing. Allele origin: germline.
Comment: This sequence change replaces alanine, which is neutral and non-polar, with threonine, which is neutral and polar, at codon 1010 of the CFH protein (p.Ala1010Thr). This variant is present in population databases (rs11539862, gnomAD 0.004%). This variant has not been reported in the literature in individuals affected with CFH-related conditions. ClinVar contains an entry for this variant (Variation ID: 451521). An algorithm developed to predict the effect of missense changes on protein structure and function outputs the following: PolyPhen-2: "Benign". The threonine amino acid residue is found in multiple mammalian species, which suggests that this missense change does not adversely affect protein function. In summary, the available evidence is currently insufficient to determine the role of this variant in disease. Therefore, it has been classified as a Variant of Uncertain Significance.

Genome-Nilou Lab
Classification: Uncertain significance for Hemolytic uremic syndrome, atypical, susceptibility to, 1. Last evaluated: 2023-04-11. Review status: criteria provided, single submitter. Criteria: ACMG Guidelines, 2015. Collection method: clinical testing. Allele origin: germline. Affected: no.

Genome-Nilou Lab
Classification: Uncertain significance for Age related macular degeneration 4. Last evaluated: 2023-04-11. Review status: criteria provided, single submitter. Criteria: ACMG Guidelines, 2015. Collection method: clinical testing. Allele origin: germline. Affected: no.

Genome-Nilou Lab
Classification: Uncertain significance for Basal laminar drusen. Last evaluated: 2023-04-11. Review status: criteria provided, single submitter. Criteria: ACMG Guidelines, 2015. Collection method: clinical testing. Allele origin: germline. Affected: no.

Genome-Nilou Lab
Classification: Uncertain significance for Factor H deficiency. Last evaluated: 2023-04-11. Review status: criteria provided, single submitter. Criteria: ACMG Guidelines, 2015. Collection method: clinical testing. Allele origin: germline. Affected: no.

Fulgent Genetics
Classification: Uncertain significance for Basal laminar drusen; Hemolytic uremic syndrome, atypical, susceptibility to, 1; Factor H deficiency; Age related macular degeneration 4. Last evaluated: 2021-11-18. Review status: criteria provided, single submitter. Criteria: ACMG Guidelines, 2015. Collection method: clinical testing. Allele origin: unknown.

Illumina Laboratory Services, Illumina
Classification: Uncertain significance for Basal laminar drusen. Last evaluated: 2018-01-13. Review status: criteria provided, single submitter. Criteria: ICSL Variant Classification Criteria 13 December 2019. Collection method: clinical testing. Allele origin: germline.

Illumina Laboratory Services, Illumina
Classification: Uncertain significance for Membranoproliferative glomerulonephritis with complement factor h deficiency. Last evaluated: 2018-01-13. Review status: criteria provided, single submitter. Criteria: ICSL Variant Classification Criteria 13 December 2019. Collection method: clinical testing. Allele origin: germline.

Illumina Laboratory Services, Illumina
Classification: Uncertain significance for Hemolytic uremic syndrome, atypical, susceptibility to, 1. Last evaluated: 2018-01-13. Review status: criteria provided, single submitter. Criteria: ICSL Variant Classification Criteria 13 December 2019. Collection method: clinical testing. Allele origin: germline.

Illumina Laboratory Services, Illumina
Classification: Uncertain significance for Age related macular degeneration 4. Last evaluated: 2018-01-13. Review status: criteria provided, single submitter. Criteria: ICSL Variant Classification Criteria 13 December 2019. Collection method: clinical testing. Allele origin: germline.

GeneDx
Classification: Uncertain significance. Last evaluated: 2017-08-31. Review status: criteria provided, single submitter. Criteria: GeneDx Variant Classification (06012015). Collection method: clinical testing. Allele origin: germline. Affected: yes.
Comment: The A1010T variant in the CFH gene has not been reported previously as a pathogenic variant, nor as a benign variant, to our knowledge. The A1010T variant is not observed at a significant frequency in large population cohorts (Lek et al., 2016; 1000 Genomes Consortium et al., 2015; Exome Variant Server). The A1010T variant is a non-conservative amino acid substitution, which is likely to impact secondary protein structure as these residues differ in polarity, charge, size and/or other properties. However, this substitution occurs at a position that is not conserved across species, and in silico analysis predicts this variant likely does not alter the protein structure/function. We interpret A1010T as a variant of uncertain significance.

Literature cited by the submitters: PubMed 25188723 (cited by Genomenon, Inc); PubMed 30890598 (cited by Genomenon, Inc).